The following is an entry in ClinVar:

NM_000593.6(TAP1):c.629G>A (p.Arg210His)

Gene: TAP1 (transporter 1, ATP binding cassette subfamily B member; minus strand). Cytogenetic location: 6p21.32.
Variant type: single nucleotide variant.
Coding change: c.629G>A on transcript NM_000593.6 (MANE Select); coding-DNA position 629, G replaced by A.
Protein change: p.Arg210His; replaces arginine 210 with histidine.
Molecular consequence: missense variant.
Genome position (GRCh38, 1-based): chr6:32,852,472, C>T on the plus strand (G>A on the coding strand, the complement: TAP1 is on the minus strand). VCF-style: chr6-32852472-C-T. GRCh37 (hg19) VCF-style: chr6-32820249-C-T.
Other names: c.26G>A, p.Arg9His (NM_001292022.2); short protein forms R270H, R9H, R210H.
Identifiers: ClinVar variation 582202 (VCV000582202.7), dbSNP rs550037204, ClinGen allele CA3746971.
Genomic context (GRCh38, chr6:32,852,472, plus strand): 5'-AGAGTTAAGTTTCGAGTGAAGGTATCGGCTGAGCCATCTTGTAGAATCCAGTCAGTGAGG[C>T]GGCCCGTAAAGAATGGAATGGCCATCTCCCCTGGAGAAAGAGAAGAGAGGTCACGCACAA-3'
Protein context (NP_000584.3, residues 200-220): GEMAIPFFTG[Arg210His]LTDWILQDGS

ClinVar aggregate classification (germline): Uncertain significance (1 of 4 stars; one submission).

Conditions:
MHC class I deficiency. Identifiers: Orphanet 34592, MedGen C6024714, MONDO:0011476.

Allele frequency attached by ClinVar (database versions not stated): gnomAD 0.00013; 1000 Genomes Project 0.00020; ExAC 0.00011; gnomAD exomes 0.00009; TOPMed 0.00010; 1000 Genomes Project 30x 0.00016.
gnomAD v4.1: 158 of 1,612,922 alleles (0.0098%); highest among the groups gnomAD compares: Middle Eastern, 0.017%; no homozygotes.

Submission:

Labcorp Genetics (formerly Invitae), Labcorp
Classification: Uncertain significance for MHC class I deficiency 1. Last evaluated: 2026-01-11. Review status: criteria provided, single submitter. Criteria: Invitae Variant Classification Sherloc (09022015). Collection method: clinical testing. Allele origin: germline.
Comment: This sequence change replaces arginine, which is basic and polar, with histidine, which is basic and polar, at codon 270 of the TAP1 protein (p.Arg270His). This variant is present in population databases (rs550037204, gnomAD 0.02%). This variant has not been reported in the literature in individuals affected with TAP1-related conditions. ClinVar contains an entry for this variant (Variation ID: 582202). An algorithm developed to predict the effect of missense changes on protein structure and function outputs the following: PolyPhen-2: "Benign". The histidine amino acid residue is found in multiple mammalian species, which suggests that this missense change does not adversely affect protein function. In summary, the available evidence is currently insufficient to determine the role of this variant in disease. Therefore, it has been classified as a Variant of Uncertain Significance.